The following is an entry in ClinVar:

ClinVar aggregate classification (germline): Pathogenic/Likely pathogenic. Review status: criteria provided, multiple submitters, no conflicts (2 of 4 stars). 3 submissions from 3 submitters: Pathogenic (1); Likely pathogenic (2). Last evaluated 2024-08-06.

Conditions:
Costello syndrome (CSTLO). Also called: FCS SYNDROME; FACIOCUTANEOSKELETAL SYNDROME; HRAS-Related Costello Syndrome. Identifiers: Orphanet 3071, MedGen C0587248, MONDO:0009026, OMIM 218040.

Submissions (3):

GeneDx
Classification: Likely pathogenic. Last evaluated: 2024-08-06. Review status: criteria provided, single submitter. Criteria: GeneDx Variant Classification Process June 2021. Collection method: clinical testing. Allele origin: germline. Affected: yes.
Comment: Frameshift variant predicted to result in abnormal protein length as the last 7 amino acids are replaced with 51 different amino acid in a gene for which loss-of-function is not an established mechanism of disease; Not observed at significant frequency in large population cohorts (gnomAD); Also known as c.481_490delGGGACCCTCT (NM_176795.4); This variant is associated with the following publications: (PMID: 28390077)

Baylor Genetics
Classification: Likely pathogenic for Costello syndrome. Last evaluated: 2021-11-02. Review status: criteria provided, single submitter. Criteria: ACMG Guidelines, 2015. Collection method: clinical testing. Allele origin: unknown.

Tartaglia Lab, Genetics and Rare Diseases Research Division, Bambino Gesu' Children's Hospital
Classification: Pathogenic for Costello syndrome. Last evaluated: 2017-01-01. Review status: criteria provided, single submitter. Criteria: ACMG Guidelines, 2015. Collection method: research. Allele origin: de novo. Affected: yes.
Comment: We report a novel RASopathy-causing HRAS mutation with a previously unappreciated mechanism of action, having a mild activating effect on HRAS function and resulting in a peculiar pheno- type within the RASopathy clinical spectrum. Short neck, dark gray-bronze skin, and slowly growing, silver-stained loose anagen hair were also noted.

Literature cited by the submitters: PubMed 28390077 (cited by Tartaglia Lab, Genetics and Rare Diseases Research Division, Bambino Gesu' Children's Hospital).

NM_176795.5(HRAS):c.488_497del (p.Leu163fs)

Genes: HRAS (HRas proto-oncogene, GTPase; minus strand), LRRC56 (leucine rich repeat containing 56; plus strand). Cytogenetic location: 11p15.5.
Variant type: Deletion.
Coding change: c.488_497del on transcript NM_176795.5 (MANE Plus Clinical); coding-DNA positions 488 to 497, 10 bases deleted (TCTGGGACCC; older notation c.488_497delTCTGGGACCC).
Protein change: p.Leu163fs; shifts the reading frame from leucine 163.
Molecular consequence: frameshift variant. On other transcripts: intron variant (2).
Genome position (GRCh38, 1-based): chr11:533,312-533,321, GGGTCCCAGA deleted on the plus strand (TCTGGGACCC on the coding strand, the reverse complement: HRAS is on the minus strand); deleting any 10 consecutive bases within chr11:533,312-533,328 gives the same sequence; the c. name uses the placement nearest the transcript's 3' end. VCF-style (leftmost placement, unchanged base first): chr11-533311-GGGGTCCCAGA-G. GRCh37 (hg19) VCF-style: chr11-533311-GGGGTCCCAGA-G.
Other names: c.169_178del, p.Ser57fs (NM_001318054.2); c.450+132_450+141del (NM_005343.4, NM_001130442.3); short protein forms L163fs, S57fs.
Identifiers: ClinVar variation 1321186 (VCV001321186.4), dbSNP rs764755556, ClinGen allele CA2573053525.